The following is an entry in ClinVar:

ClinVar aggregate classification (germline): Conflicting classifications of pathogenicity. Review status: criteria provided, conflicting classifications (1 of 4 stars). 3 submissions from 3 submitters: Uncertain significance (2); Likely benign (1). Last evaluated 2025-08-24.

Conditions:
Glycogen storage disease, type V (GSD5). Also called: McArdle type glycogen storage disease; MCARDLE DISEASE; MUSCLE GLYCOGEN PHOSPHORYLASE DEFICIENCY; MYOPHOSPHORYLASE DEFICIENCY; PYGM DEFICIENCY. Identifiers: Orphanet 368, MedGen C0017924, MONDO:0009293, OMIM 232600.

Allele frequency attached by ClinVar (database versions not stated): gnomAD 0.00004 and 0.00005; gnomAD exomes 0.00004 and 0.00007; TOPMed 0.00005; ExAC 0.00007; ESP Exome Variant Server 0.00008; 1000 Genomes Project 30x 0.00016; 1000 Genomes Project 0.00020.

Submissions (3):

Labcorp Genetics (formerly Invitae), Labcorp
Classification: Uncertain significance for Glycogen storage disease, type V. Last evaluated: 2025-08-24. Review status: criteria provided, single submitter. Criteria: Invitae Variant Classification Sherloc (09022015). Collection method: clinical testing. Allele origin: germline.
Comment: This sequence change falls in intron 7 of the PYGM gene. It does not directly change the encoded amino acid sequence of the PYGM protein. It affects a nucleotide within the consensus splice site. This variant is present in population databases (rs199834605, gnomAD 0.02%). This variant has not been reported in the literature in individuals affected with PYGM-related conditions. ClinVar contains an entry for this variant (Variation ID: 507975). Variants that disrupt the consensus splice site are a relatively common cause of aberrant splicing (PMID: 17576681, 9536098). Algorithms developed to predict the effect of sequence changes on RNA splicing suggest that this variant may disrupt the consensus splice site. In summary, the available evidence is currently insufficient to determine the role of this variant in disease. Therefore, it has been classified as a Variant of Uncertain Significance.

Fulgent Genetics
Classification: Uncertain significance for Glycogen storage disease, type V. Last evaluated: 2024-06-18. Review status: criteria provided, single submitter. Criteria: ACMG Guidelines, 2015. Collection method: clinical testing. Allele origin: germline.

GeneDx
Classification: Likely benign. Last evaluated: 2018-04-05. Review status: criteria provided, single submitter. Criteria: GeneDx Variant Classification Process June 2021. Collection method: clinical testing. Allele origin: germline. Affected: yes.

Literature cited by the submitters: PubMed 17576681 (cited by Labcorp Genetics (formerly Invitae), Labcorp); PubMed 9536098 (cited by Labcorp Genetics (formerly Invitae), Labcorp).

NM_005609.4(PYGM):c.855+4C>T

Gene: PYGM (glycogen phosphorylase, muscle associated; minus strand). Cytogenetic location: 11q13.1.
Variant type: single nucleotide variant.
Coding change: c.855+4C>T on transcript NM_005609.4 (MANE Select); 4 bases into the intron after coding-DNA position 855, C replaced by T.
Molecular consequence: intron variant.
Genome position (GRCh38, 1-based): chr11:64,755,269, G>A on the plus strand (C>T on the coding strand, the complement: PYGM is on the minus strand). VCF-style: chr11-64755269-G-A. GRCh37 (hg19) VCF-style: chr11-64522741-G-A.
Other names: c.591+4C>T (NM_001164716.1).
Identifiers: ClinVar variation 507975 (VCV000507975.8), dbSNP rs199834605, ClinGen allele CA6080102.
Genomic context (GRCh38, chr11:64,755,269, plus strand): 5'-GCTCTCCCTGACCCCTGCTGCCAAGGACTCAGGCTTCCAGCCCCCAGCCCAGGGGGTGAC[G>A]CACATTATCATTGGGGTACAGGACACGAGAGATGTTCTCCGCCAGGTTTCGGTCCAACAC-3'